The following is an entry in ClinVar:

ClinVar aggregate classification (germline): Uncertain significance (1 of 4 stars; one submission).

Conditions:
Congenital myotonia, autosomal dominant form (THD). Also called: THOMSEN DISEASE; Myotonia congenita autosomal dominant. Identifiers: Orphanet 614, MedGen C2936781, MONDO:0008055, OMIM 160800.
Congenital myotonia, autosomal recessive form. Also called: Becker Generalized Myotonia; myotonia congenita, autosomal recessive; BECKER DISEASE. Identifiers: Orphanet 614, MedGen C0751360, MONDO:0009715, OMIM 255700.

Submission:

Labcorp Genetics (formerly Invitae), Labcorp
Classification: Uncertain significance for Congenital myotonia, autosomal recessive form; Congenital myotonia, autosomal dominant form. Last evaluated: 2024-02-17. Review status: criteria provided, single submitter. Criteria: Invitae Variant Classification Sherloc (09022015). Collection method: clinical testing. Allele origin: germline.
Comment: This sequence change results in a frameshift in the CLCN1 gene (p.Leu988Phefs*). While this is not anticipated to result in nonsense mediated decay, it is expected to disrupt the last 1 amino acid(s) of the CLCN1 protein. This variant is present in population databases (rs748329158, gnomAD 0.006%). This variant has not been reported in the literature in individuals affected with CLCN1-related conditions. ClinVar contains an entry for this variant (Variation ID: 841124). Experimental studies and prediction algorithms are not available or were not evaluated, and the functional significance of this variant is currently unknown. In summary, the available evidence is currently insufficient to determine the role of this variant in disease. Therefore, it has been classified as a Variant of Uncertain Significance.

NM_000083.3(CLCN1):c.2962del (p.Leu988fs)

Gene: CLCN1 (chloride voltage-gated channel 1; plus strand). Cytogenetic location: 7q34.
Variant type: Deletion.
Coding change: c.2962del on transcript NM_000083.3 (MANE Select); coding-DNA position 2962, one base deleted (C; older notation c.2962delC).
Protein change: p.Leu988fs; shifts the reading frame from leucine 988.
Molecular consequence: frameshift variant. On other transcripts: non-coding transcript variant (1).
Genome position (GRCh38, 1-based): chr7:143,351,960, C deleted; the last of 2 consecutive C bases (chr7:143,351,959-143,351,960); deleting either gives the same sequence. VCF-style (leftmost placement, unchanged base first): chr7-143351958-TC-T. GRCh37 (hg19) VCF-style: chr7-143049051-TC-T.
Other names: short protein forms L988fs.
Identifiers: ClinVar variation 841124 (VCV000841124.9), dbSNP rs748329158, ClinGen allele CA4537820.
Genomic context (GRCh38, chr7:143,351,958, plus strand): 5'-CCGACATCTTGCAGGGCCCCAGCCTGCGATCCACAGACGAGGAGGATGAGGATGAACTGA[TC>T]CTTTGACCCCCTCCCACGACCTCCTCATAAAGACCGTGGAGAGGCCCAGCCTGAGGGTGA-3'